The following is an entry in ClinVar:

NM_001482.3(GATM):c.1082A>T (p.Asn361Ile)

Gene: GATM (glycine amidinotransferase; minus strand). Cytogenetic location: 15q21.1.
Variant type: single nucleotide variant.
Coding change: c.1082A>T on transcript NM_001482.3 (MANE Select); coding-DNA position 1082, A replaced by T.
Protein change: p.Asn361Ile; replaces asparagine 361 with isoleucine.
Molecular consequence: missense variant.
Genome position (GRCh38, 1-based): chr15:45,363,977, T>A on the plus strand (A>T on the coding strand, the complement: GATM is on the minus strand). VCF-style: chr15-45363977-T-A. GRCh37 (hg19) VCF-style: chr15-45656175-T-A.
Other names: c.695A>T, p.Asn232Ile (NM_001321015.2); short protein forms N232I, N361I.
Identifiers: ClinVar variation 1370619 (VCV001370619.8), dbSNP rs2140638679, ClinGen allele CA392255902.

ClinVar aggregate classification (germline): Uncertain significance (1 of 4 stars; one submission).

Conditions:
Arginine:glycine amidinotransferase deficiency (CCDS3). Also called: L-Arginine:Glycine Amidinotransferase (AGAT) Deficiency; Cerebral creatine deficiency syndrome 3; AGAT deficiency; L-Arginine:Glycine Amidinotransferase Deficiency; Creatine deficiency syndrome due to AGAT deficiency; GATM deficiency. Identifiers: Orphanet 35704, MedGen C2675179, MONDO:0012996, OMIM 612718.

Submission:

Labcorp Genetics (formerly Invitae), Labcorp
Classification: Uncertain significance for Arginine:glycine amidinotransferase deficiency. Last evaluated: 2021-02-08. Review status: criteria provided, single submitter. Criteria: Invitae Variant Classification Sherloc (09022015). Collection method: clinical testing. Allele origin: germline.
Comment: In summary, the available evidence is currently insufficient to determine the role of this variant in disease. Therefore, it has been classified as a Variant of Uncertain Significance. Algorithms developed to predict the effect of missense changes on protein structure and function are either unavailable or do not agree on the potential impact of this missense change (SIFT: "Deleterious"; PolyPhen-2: "Probably Damaging"; Align-GVGD: "Class C15"). This variant has not been reported in the literature in individuals with GATM-related conditions. This variant is not present in population databases (ExAC no frequency). This sequence change replaces asparagine with isoleucine at codon 361 of the GATM protein (p.Asn361Ile). The asparagine residue is highly conserved and there is a large physicochemical difference between asparagine and isoleucine.